The following is an entry in ClinVar:

ClinVar aggregate classification (germline): Likely benign (0 of 4 stars; one submission).

Conditions:
SEMA3G-related disorder. Also called: SEMA3G-related condition.

gnomAD v4.1: 1 of 1,612,296 alleles (0.000062%); highest among the groups gnomAD compares: South Asian, 0.0011%; no homozygotes.

Submission:

PreventionGenetics, part of Exact Sciences
Classification: Likely benign for SEMA3G-related condition. Last evaluated: 2023-10-12. Review status: no assertion criteria provided. Collection method: clinical testing. Allele origin: germline.
Comment: This variant is classified as likely benign based on ACMG/AMP sequence variant interpretation guidelines (Richards et al. 2015 PMID: 25741868, with internal and published modifications).

NM_020163.3(SEMA3G):c.1467+6C>A

Gene: SEMA3G (semaphorin 3G; minus strand). Cytogenetic location: 3p21.1.
Variant type: single nucleotide variant.
Coding change: c.1467+6C>A on transcript NM_020163.3 (MANE Select); 6 bases into the intron after coding-DNA position 1467, C replaced by A.
Molecular consequence: intron variant.
Genome position (GRCh38, 1-based): chr3:52,439,674, G>T on the plus strand (C>A on the coding strand, the complement: SEMA3G is on the minus strand). VCF-style: chr3-52439674-G-T. GRCh37 (hg19) VCF-style: chr3-52473690-G-T.
Identifiers: ClinVar variation 3356905 (VCV003356905.1).
Genomic context (GRCh38, chr3:52,439,674, plus strand): 5'-CCCTGTAGCCAGGCTCAGACCCAGAGATGGGGCTTGGAGGGACCCTTCCATCAGCCCCTT[G>T]CTTACCTTAAACACCTGGAGCTCCTCCAGAACCACTTCCTCAGGTTCAGCTGAGCCCCCT-3'